The following is an entry in ClinVar:

NM_001136472.2(LITAF):c.220+4C>T

Gene: LITAF (lipopolysaccharide induced TNF factor; minus strand). Cytogenetic location: 16p13.13.
Variant type: single nucleotide variant.
Coding change: c.220+4C>T on transcript NM_001136472.2 (MANE Select); 4 bases into the intron after coding-DNA position 220, C replaced by T.
Molecular consequence: intron variant.
Genome position (GRCh38, 1-based): chr16:11,556,507, G>A on the plus strand (C>T on the coding strand, the complement: LITAF is on the minus strand). VCF-style: chr16-11556507-G-A. GRCh37 (hg19) VCF-style: chr16-11650363-G-A.
Other names: c.220+4C>T (NM_001136473.1, NM_004862.4).
Identifiers: ClinVar variation 935915 (VCV000935915.11), dbSNP rs771956181, ClinGen allele CA7904158.

ClinVar aggregate classification (germline): Uncertain significance. Review status: criteria provided, multiple submitters, no conflicts (2 of 4 stars). 2 submissions from 2 submitters: Uncertain significance (2). Last evaluated 2023-10-23.

Conditions:
Inborn genetic diseases. Identifiers: MedGen C0950123, MeSH D030342.
Charcot-Marie-Tooth disease type 1C. Also called: CMT, SLOW NERVE CONDUCTION TYPE C; HMSN IC; NEUROPATHY, HEREDITARY MOTOR AND SENSORY, TYPE IC; CHARCOT-MARIE-TOOTH NEUROPATHY, TYPE 1C; CHARCOT-MARIE-TOOTH DISEASE, DEMYELINATING, TYPE 1C; Charcot-Marie-Tooth disease, type IC. Identifiers: Orphanet 101083, MedGen C0270913, MONDO:0010995, OMIM 601098.

Allele frequency attached by ClinVar (database versions not stated): TOPMed 0.00002; gnomAD 0.00003; gnomAD exomes 0.00005; ExAC 0.00007.

Submissions (2):

Labcorp Genetics (formerly Invitae), Labcorp
Classification: Uncertain significance for Charcot-Marie-Tooth disease type 1C. Last evaluated: 2023-10-23. Review status: criteria provided, single submitter. Criteria: Invitae Variant Classification Sherloc (09022015). Collection method: clinical testing. Allele origin: germline.
Comment: This sequence change falls in intron 2 of the LITAF gene. It does not directly change the encoded amino acid sequence of the LITAF protein. It affects a nucleotide within the consensus splice site. This variant is present in population databases (rs771956181, gnomAD 0.01%), including at least one homozygous and/or hemizygous individual. This variant has not been reported in the literature in individuals affected with LITAF-related conditions. ClinVar contains an entry for this variant (Variation ID: 935915). Variants that disrupt the consensus splice site are a relatively common cause of aberrant splicing (PMID: 17576681, 9536098). Algorithms developed to predict the effect of sequence changes on RNA splicing suggest that this variant is not likely to affect RNA splicing. In summary, the available evidence is currently insufficient to determine the role of this variant in disease. Therefore, it has been classified as a Variant of Uncertain Significance.

Ambry Genetics
Classification: Uncertain significance for Inborn genetic diseases. Last evaluated: 2020-02-26. Review status: criteria provided, single submitter. Criteria: Ambry Variant Classification Scheme 2023. Collection method: clinical testing. Allele origin: germline.
Comment: The c.220+4C>T intronic variant results from a C to T substitution 4 nucleotides after coding exon 1 in the LITAF gene. This nucleotide position is not well conserved in available vertebrate species. Using the BDGP and ESEfinder splice site prediction tools, this alteration is not predicted to have any significant effect on this splice donor site; however, direct evidence is unavailable. Since supporting evidence is limited at this time, the clinical significance of this alteration remains unclear.

Literature cited by the submitters: PubMed 17576681 (cited by Labcorp Genetics (formerly Invitae), Labcorp); PubMed 9536098 (cited by Labcorp Genetics (formerly Invitae), Labcorp).